The following is an entry in ClinVar:

ClinVar aggregate classification (germline): Uncertain significance. Review status: criteria provided, multiple submitters, no conflicts (2 of 4 stars). 3 submissions from 3 submitters: Uncertain significance (3). Last evaluated 2025-11-18.

Conditions:
Inborn genetic diseases. Identifiers: MedGen C0950123, MeSH D030342.

Allele frequency attached by ClinVar (database versions not stated): TOPMed 0.00001; ExAC 0.00002; gnomAD exomes 0.00002.

Submissions (3):

Labcorp Genetics (formerly Invitae), Labcorp
Classification: Uncertain significance. Last evaluated: 2025-11-18. Review status: criteria provided, single submitter. Criteria: Invitae Variant Classification Sherloc (09022015). Collection method: clinical testing. Allele origin: germline.
Comment: This sequence change replaces valine, which is neutral and non-polar, with isoleucine, which is neutral and non-polar, at codon 545 of the C1S protein (p.Val545Ile). This variant is present in population databases (rs782412161, gnomAD 0.007%). This variant has not been reported in the literature in individuals affected with C1S-related conditions. ClinVar contains an entry for this variant (Variation ID: 1394806). Invitae Evidence Modeling of protein sequence and biophysical properties (such as structural, functional, and spatial information, amino acid conservation, physicochemical variation, residue mobility, and thermodynamic stability) indicates that this missense variant is not expected to disrupt C1S protein function with a negative predictive value of 80%. In summary, the available evidence is currently insufficient to determine the role of this variant in disease. Therefore, it has been classified as a Variant of Uncertain Significance.

Ambry Genetics
Classification: Uncertain significance for Inborn genetic diseases. Last evaluated: 2025-02-01. Review status: criteria provided, single submitter. Criteria: Ambry Variant Classification Scheme 2023. Collection method: clinical testing. Allele origin: germline.

Breakthrough Genomics
Classification: Uncertain significance. Review status: criteria provided, single submitter. Criteria: ACMG Guidelines, 2015. Collection method: not provided. Allele origin: germline. Inheritance: Autosomal dominant inheritance. Affected: yes.

NM_001734.5(C1S):c.1633G>A (p.Val545Ile)

Gene: C1S (complement C1s; plus strand). Cytogenetic location: 12p13.31.
Variant type: single nucleotide variant.
Coding change: c.1633G>A on transcript NM_001734.5 (MANE Select); coding-DNA position 1633, G replaced by A.
Protein change: p.Val545Ile; replaces valine 545 with isoleucine.
Molecular consequence: missense variant.
Genome position (GRCh38, 1-based): chr12:7,070,217, G>A. VCF-style: chr12-7070217-G-A. GRCh37 (hg19) VCF-style: chr12-7177521-G-A.
Other names: c.1132G>A, p.Val378Ile (NM_001346850.2); c.1633G>A, p.Val545Ile (NM_201442.4); c.1633G>A (NM_201442.2); short protein forms V545I, V378I.
Identifiers: ClinVar variation 1394806 (VCV001394806.8), dbSNP rs782412161, ClinGen allele CA6423820.